The following is an entry in ClinVar:

NM_024426.6(WT1):c.1496C>T (p.Ala499Val)

Gene: WT1 (WT1 transcription factor; minus strand). Cytogenetic location: 11p13.
Variant type: single nucleotide variant.
Coding change: c.1496C>T on transcript NM_024426.6 (MANE Select); coding-DNA position 1496, C replaced by T.
Protein change: p.Ala499Val; replaces alanine 499 with valine.
Molecular consequence: missense variant. On other transcripts: non-coding transcript variant (2).
Genome position (GRCh38, 1-based): chr11:32,389,131, G>A on the plus strand (C>T on the coding strand, the complement: WT1 is on the minus strand). VCF-style: chr11-32389131-G-A. GRCh37 (hg19) VCF-style: chr11-32410677-G-A.
Other names: c.1436C>T, p.Ala479Val (NM_000378.6); c.836C>T, p.Ala279Val (NM_001198551.2); c.794C>T, p.Ala265Val (NM_001198552.2); c.308C>T, p.Ala103Val (NM_001367854.1); c.1481C>T, p.Ala494Val (NM_001407044.1); c.1445C>T, p.Ala482Val (NM_001407045.1); c.1403C>T, p.Ala468Val (NM_001407046.1); c.1364C>T, p.Ala455Val (NM_001407047.1); and 9 more; short protein forms A406V, A245V, A265V, A279V, A426V, A441V, A452V, A482V.
Identifiers: ClinVar variation 4783459 (VCV004783459.1).

ClinVar aggregate classification (germline): Uncertain significance (1 of 4 stars; one submission).

Conditions:
Wilms tumor 1 (WT1). Also called: Wilms tumor, somatic. Identifiers: Orphanet 654, MedGen CN033288, MONDO:0008679, OMIM 194070.
11p partial monosomy syndrome (WAGR). Also called: CHROMOSOME 11p13 DELETION SYNDROME; WAGR Spectrum Disorder; WAGR syndrome; WAGR Complex. Identifiers: Orphanet 893, MedGen C0206115, MONDO:0008681, OMIM 194072.
Drash syndrome (DDS). Also called: NEPHROPATHY, WILMS TUMOR, AND GENITAL ANOMALIES; WILMS TUMOR AND PSEUDO- OR TRUE HERMAPHRODITISM. Identifiers: Orphanet 220, MedGen C0950121, MONDO:0008682, OMIM 194080.
Frasier syndrome. Identifiers: Orphanet 347, MedGen C0950122, MeSH D052159, MONDO:0007635, OMIM 136680.

Submission:

Labcorp Genetics (formerly Invitae), Labcorp
Classification: Uncertain significance for Wilms tumor 1; Drash syndrome; 11p partial monosomy syndrome; Frasier syndrome. Last evaluated: 2025-08-04. Review status: criteria provided, single submitter. Criteria: Invitae Variant Classification Sherloc (09022015). Collection method: clinical testing. Allele origin: germline.
Comment: This sequence change replaces alanine, which is neutral and non-polar, with valine, which is neutral and non-polar, at codon 494 of the WT1 protein (p.Ala494Val). This variant is not present in population databases (gnomAD no frequency). This variant has not been reported in the literature in individuals affected with WT1-related conditions. Invitae Evidence Modeling of protein sequence and biophysical properties (such as structural, functional, and spatial information, amino acid conservation, physicochemical variation, residue mobility, and thermodynamic stability) indicates that this missense variant is expected to disrupt WT1 protein function with a positive predictive value of 80%. In summary, the available evidence is currently insufficient to determine the role of this variant in disease. Therefore, it has been classified as a Variant of Uncertain Significance.